The following is an entry in ClinVar:

NM_000535.7(PMS2):c.500C>G (p.Pro167Arg)

Gene: PMS2 (PMS1 homolog 2, mismatch repair system component; minus strand). Cytogenetic location: 7p22.1.
Variant type: single nucleotide variant.
Coding change: c.500C>G on transcript NM_000535.7 (MANE Select); coding-DNA position 500, C replaced by G.
Protein change: p.Pro167Arg; replaces proline 167 with arginine.
Molecular consequence: missense variant. On other transcripts: 5 prime UTR variant (2), non-coding transcript variant (1).
Genome position (GRCh38, 1-based): chr7:6,002,490, G>C on the plus strand (C>G on the coding strand, the complement: PMS2 is on the minus strand). VCF-style: chr7-6002490-G-C. GRCh37 (hg19) VCF-style: chr7-6042121-G-C.
Other names: c.95C>G, p.Pro32Arg (NM_001322003.2, NM_001322004.2, NM_001322005.2 and 3 more transcripts); c.500C>G, p.Pro167Arg (NM_001322006.2, NM_001322014.2); c.182C>G, p.Pro61Arg (NM_001322007.2, NM_001322008.2); c.-385C>G (NM_001322011.2, NM_001322012.2); c.191C>G, p.Pro64Arg (NM_001322015.2); short protein forms P167R, P32R, P61R, P64R.
Identifiers: ClinVar variation 525828 (VCV000525828.11), dbSNP rs1554303894, ClinGen allele CA366744228.
Genomic context (GRCh38, chr7:6,002,490, plus strand): 5'-AAACCAGGATTAATTTACTGTACCTTCTTAATATTCCTTTGAAATTCCTTATGGCGCACA[G>C]GTAGTGTGGAAAATAACTGCTGCACGCTGACTGTGGTCCCTCTGGGGCGGGGGTAGGGGG-3'
Protein context (NP_000526.2, residues 157-177): VSVQQLFSTL[Pro167Arg]VRHKEFQRNI

ClinVar aggregate classification (germline): Uncertain significance. Review status: criteria provided, multiple submitters, no conflicts (2 of 4 stars). 2 submissions from 2 submitters: Uncertain significance (2). Last evaluated 2019-01-25.

Conditions:
Hereditary cancer-predisposing syndrome. Also called: Neoplastic Syndromes, Hereditary; Tumor predisposition; Hereditary Cancer Syndrome; Hereditary neoplastic syndrome. Identifiers: Orphanet 140162, MedGen C0027672, MeSH D009386, MONDO:0015356.
Hereditary nonpolyposis colorectal neoplasms. Identifiers: MedGen C0009405, MeSH D003123.

Submissions (2):

Color Diagnostics, LLC DBA Color Health
Classification: Uncertain significance for Hereditary cancer-predisposing syndrome. Last evaluated: 2019-01-25. Review status: criteria provided, single submitter. Criteria: ACMG Guidelines, 2015. Collection method: clinical testing. Allele origin: germline.

Labcorp Genetics (formerly Invitae), Labcorp
Classification: Uncertain significance for Hereditary nonpolyposis colorectal neoplasms. Last evaluated: 2017-08-23. Review status: criteria provided, single submitter. Criteria: Invitae Variant Classification Sherloc (09022015). Collection method: clinical testing. Allele origin: germline.
Comment: In summary, the available evidence is currently insufficient to determine the role of this variant in disease. Therefore, it has been classified as a Variant of Uncertain Significance. Algorithms developed to predict the effect of missense changes on protein structure and function (SIFT, PolyPhen-2, Align-GVGD) all suggest that this variant is likely to be disruptive, but these predictions have not been confirmed by published functional studies and their clinical significance is uncertain. This variant has not been reported in the literature in individuals with PMS2-related disease. This variant is not present in population databases (ExAC no frequency). This sequence change replaces proline with arginine at codon 167 of the PMS2 protein (p.Pro167Arg). The proline residue is highly conserved and there is a moderate physicochemical difference between proline and arginine.